The following is an entry in ClinVar:

NM_001382430.1(AKT1):c.101C>A (p.Thr34Asn)

Gene: AKT1 (AKT serine/threonine kinase 1; minus strand). Cytogenetic location: 14q32.33.
Variant type: single nucleotide variant.
Coding change: c.101C>A on transcript NM_001382430.1 (MANE Select); coding-DNA position 101, C replaced by A.
Protein change: p.Thr34Asn; replaces threonine 34 with asparagine.
Molecular consequence: missense variant.
Genome position (GRCh38, 1-based): chr14:104,780,162, G>T on the plus strand (C>A on the coding strand, the complement: AKT1 is on the minus strand). VCF-style: chr14-104780162-G-T. GRCh37 (hg19) VCF-style: chr14-105246499-G-T.
Other names: c.101C>A, p.Thr34Asn (NM_001014431.2, NM_001014432.2, NM_001382431.1 and 3 more transcripts); short protein forms T34N.
Identifiers: ClinVar variation 855165 (VCV000855165.9), dbSNP rs750653493, ClinGen allele CA7374906.
Genomic context (GRCh38, chr14:104,780,162, plus strand): 5'-TTGTTGAGGGGAGCCTCACGTTGGTCCACATCCTGCGGCCGCTCCTTGTAGCCAATGAAG[G>T]TGCCATCATTCTTGAGGAGGAAGTAGCGTGGCCGCCAGGTCTTGATGTACTCCCCTACAG-3'
Protein context (NP_001369359.1, residues 24-44): PRYFLLKNDG[Thr34Asn]FIGYKERPQD

ClinVar aggregate classification (germline): Uncertain significance (1 of 4 stars; one submission).

Conditions:
Cowden syndrome 6 (CWS6). Identifiers: Orphanet 201, MedGen C3554519, MONDO:0014048, OMIM 615109.

Allele frequency attached by ClinVar (database versions not stated): gnomAD exomes below 0.00001 and 0.00001; TOPMed below 0.00001; ExAC 0.00001; gnomAD 0.00001.
gnomAD v4.1: 17 of 1,613,582 alleles (0.0011%); highest among the groups gnomAD compares: Non-Finnish European, 0.0014%; no homozygotes.

Submission:

Labcorp Genetics (formerly Invitae), Labcorp
Classification: Uncertain significance for Cowden syndrome 6. Last evaluated: 2023-10-09. Review status: criteria provided, single submitter. Criteria: Invitae Variant Classification Sherloc (09022015). Collection method: clinical testing. Allele origin: germline.
Comment: This sequence change replaces threonine, which is neutral and polar, with asparagine, which is neutral and polar, at codon 34 of the AKT1 protein (p.Thr34Asn). This variant is present in population databases (rs750653493, gnomAD 0.002%). This variant has not been reported in the literature in individuals affected with AKT1-related conditions. ClinVar contains an entry for this variant (Variation ID: 855165). An algorithm developed to predict the effect of missense changes on protein structure and function (PolyPhen-2) suggests that this variant is likely to be disruptive. In summary, the available evidence is currently insufficient to determine the role of this variant in disease. Therefore, it has been classified as a Variant of Uncertain Significance.